The following is an entry in ClinVar:

NM_000465.4(BARD1):c.1819G>A (p.Val607Ile)

Gene: BARD1 (BRCA1 associated RING domain 1; minus strand). Cytogenetic location: 2q35.
Variant type: single nucleotide variant.
Coding change: c.1819G>A on transcript NM_000465.4 (MANE Select); coding-DNA position 1819, G replaced by A.
Protein change: p.Val607Ile; replaces valine 607 with isoleucine.
Molecular consequence: missense variant. On other transcripts: non-coding transcript variant (3), intron variant (1).
Genome position (GRCh38, 1-based): chr2:214,745,151, C>T on the plus strand (G>A on the coding strand, the complement: BARD1 is on the minus strand). VCF-style: chr2-214745151-C-T. GRCh37 (hg19) VCF-style: chr2-215609875-C-T.
Other names: c.1762G>A, p.Val588Ile (NM_001282543.2); c.466G>A, p.Val156Ile (NM_001282545.2); c.409G>A, p.Val137Ile (NM_001282548.2); c.365-14643G>A (NM_001282549.2); short protein forms V588I, V137I, V156I, V607I.
Identifiers: ClinVar variation 1462808 (VCV001462808.11), dbSNP rs1375593475, ClinGen allele CA350452345.

ClinVar aggregate classification (germline): Uncertain significance. Review status: criteria provided, multiple submitters, no conflicts (2 of 4 stars). 2 submissions from 2 submitters: Uncertain significance (2). Last evaluated 2021-05-21.

Conditions:
Hereditary cancer-predisposing syndrome. Also called: Tumor predisposition; Hereditary neoplastic syndrome; Hereditary Cancer Syndrome; Neoplastic Syndromes, Hereditary. Identifiers: Orphanet 140162, MedGen C0027672, MeSH D009386, MONDO:0015356.
Familial cancer of breast. Also called: Hereditary breast cancer; hereditary breast carcinoma; BREAST CANCER, FAMILIAL. Identifiers: Orphanet 227535, MedGen C0346153, MONDO:0016419, OMIM 114480. Disease mechanism: loss of function.

Allele frequency attached by ClinVar (database versions not stated): gnomAD exomes below 0.00001.
gnomAD v4.1: 1 of 1,613,586 alleles (0.000062%); highest among the groups gnomAD compares: Non-Finnish European, 0.000085%; no homozygotes.

Submissions (2):

Ambry Genetics
Classification: Uncertain significance for Hereditary cancer-predisposing syndrome. Last evaluated: 2021-05-21. Review status: criteria provided, single submitter. Criteria: Ambry Variant Classification Scheme 2023. Collection method: clinical testing. Allele origin: germline.
Comment: The p.V607I variant (also known as c.1819G>A), located in coding exon 9 of the BARD1 gene, results from a G to A substitution at nucleotide position 1819. The valine at codon 607 is replaced by isoleucine, an amino acid with highly similar properties. This amino acid position is well conserved in available vertebrate species. In addition, this alteration is predicted to be tolerated by in silico analysis. Since supporting evidence is limited at this time, the clinical significance of this alteration remains unclear.

Labcorp Genetics (formerly Invitae), Labcorp
Classification: Uncertain significance for Familial cancer of breast. Last evaluated: 2021-05-05. Review status: criteria provided, single submitter. Criteria: Invitae Variant Classification Sherloc (09022015). Collection method: clinical testing. Allele origin: germline.
Comment: This sequence change replaces valine with isoleucine at codon 607 of the BARD1 protein (p.Val607Ile). The valine residue is highly conserved and there is a small physicochemical difference between valine and isoleucine. This variant is not present in population databases (ExAC no frequency). This variant has not been reported in the literature in individuals with BARD1-related conditions. Algorithms developed to predict the effect of missense changes on protein structure and function output the following: SIFT: "Tolerated"; PolyPhen-2: "Benign"; Align-GVGD: "Class C0". The isoleucine amino acid residue is found in multiple mammalian species, suggesting that this missense change does not adversely affect protein function. These predictions have not been confirmed by published functional studies and their clinical significance is uncertain. In summary, the available evidence is currently insufficient to determine the role of this variant in disease. Therefore, it has been classified as a Variant of Uncertain Significance.